The following is an entry in ClinVar:

ClinVar aggregate classification (germline): Uncertain significance. Review status: criteria provided, multiple submitters, no conflicts (2 of 4 stars). 2 submissions from 2 submitters: Uncertain significance (2). Last evaluated 2024-03-14.

Conditions:
Inborn genetic diseases. Identifiers: MedGen C0950123, MeSH D030342.

Allele frequency attached by ClinVar (database versions not stated): gnomAD exomes below 0.00001.
gnomAD v4.1: 3 of 1,614,010 alleles (0.00019%); highest among the groups gnomAD compares: Non-Finnish European, 0.00017%; no homozygotes.

Submissions (2):

Ambry Genetics
Classification: Uncertain significance for Inborn genetic diseases. Last evaluated: 2024-03-14. Review status: criteria provided, single submitter. Criteria: Ambry Variant Classification Scheme 2023. Collection method: clinical testing. Allele origin: germline.

Labcorp Genetics (formerly Invitae), Labcorp
Classification: Uncertain significance. Last evaluated: 2022-04-11. Review status: criteria provided, single submitter. Criteria: Invitae Variant Classification Sherloc (09022015). Collection method: clinical testing. Allele origin: germline.
Comment: This sequence change replaces arginine, which is basic and polar, with isoleucine, which is neutral and non-polar, at codon 425 of the PCDH15 protein (p.Arg425Ile). This variant is not present in population databases (gnomAD no frequency). This variant has not been reported in the literature in individuals affected with PCDH15-related conditions. Algorithms developed to predict the effect of missense changes on protein structure and function are either unavailable or do not agree on the potential impact of this missense change (SIFT: "Deleterious"; PolyPhen-2: "Benign"; Align-GVGD: "Class C0"). In summary, the available evidence is currently insufficient to determine the role of this variant in disease. Therefore, it has been classified as a Variant of Uncertain Significance.

NM_001384140.1(PCDH15):c.1274G>T (p.Arg425Ile)

Gene: PCDH15 (protocadherin related 15; minus strand). Cytogenetic location: 10q21.1.
Variant type: single nucleotide variant.
Coding change: c.1274G>T on transcript NM_001384140.1 (MANE Select); coding-DNA position 1274, G replaced by T.
Protein change: p.Arg425Ile; replaces arginine 425 with isoleucine.
Molecular consequence: missense variant.
Genome position (GRCh38, 1-based): chr10:54,195,714, C>A on the plus strand (G>T on the coding strand, the complement: PCDH15 is on the minus strand). VCF-style: chr10-54195714-C-A. GRCh37 (hg19) VCF-style: chr10-55955474-C-A.
Other names: c.1289G>T, p.Arg430Ile (NM_001142763.2, NM_001142769.4, NM_001142771.2); c.1274G>T, p.Arg425Ile (NM_001142764.2, NM_001142765.2, NM_001142766.2 and 7 more transcripts); c.1163G>T, p.Arg388Ile (NM_001142767.2); c.1208G>T, p.Arg403Ile (NM_001142768.2, NM_001142773.2, NM_001354404.2); short protein forms R430I, R403I, R425I, R388I.
Identifiers: ClinVar variation 2147217 (VCV002147217.2), dbSNP rs2539680355, ClinGen allele CA376518654.
Genomic context (GRCh38, chr10:54,195,714, plus strand): 5'-AACAAGAGCAAAATATGTATTTAACTTACATCTTCTATGTCCTTGTCCAGAGCTACTATT[C>A]TTAAAGGTGAAGTCAAATTGAGACTGTCCGAAATGGTTGCTCCCACTGGGGCAGATTCCA-3'
Protein context (NP_001371069.1, residues 415-435): SDSLNLTSPL[Arg425Ile]IVALDKDIED